The following is an entry in ClinVar:

NM_001165963.4(SCN1A):c.1378-6A>G

Gene: SCN1A (sodium voltage-gated channel alpha subunit 1; minus strand). Cytogenetic location: 2q24.3.
Variant type: single nucleotide variant.
Coding change: c.1378-6A>G on transcript NM_001165963.4 (MANE Select); 6 bases into the intron before coding-DNA position 1378, A replaced by G.
Molecular consequence: intron variant.
Genome position (GRCh38, 1-based): chr2:166,045,333, T>C on the plus strand (A>G on the coding strand, the complement: SCN1A is on the minus strand). VCF-style: chr2-166045333-T-C. GRCh37 (hg19) VCF-style: chr2-166901843-T-C.
Other names: c.1378-6A>G (NM_001353949.2, NM_001353958.2, NM_001353950.2 and 7 more transcripts); c.1378-9A>G (NM_001353955.2, NM_001353960.2, NM_001353954.2); c.-1048-6A>G (NM_001353961.2).
Identifiers: ClinVar variation 206727 (VCV000206727.1), dbSNP rs796052951, ClinGen allele CA317097.

ClinVar aggregate classification (germline): Likely benign (1 of 4 stars; one submission).

Submission:

GeneDx
Classification: Likely benign. Last evaluated: 2015-01-06. Review status: criteria provided, single submitter. Criteria: GeneDx Variant Classification (06012015). Collection method: clinical testing. Allele origin: germline. Affected: yes.
Comment: This variant is considered likely benign or benign based on one or more of the following criteria: it is a conservative change, it occurs at a poorly conserved position in the protein, it is predicted to be benign by multiple in silico algorithms, and/or has population frequency not consistent with disease.